The following is an entry in ClinVar:

ClinVar aggregate classification (germline): Likely benign (0 of 4 stars; one submission).

Conditions:
MMP21-related disorder. Also called: MMP21-related condition.

Allele frequency attached by ClinVar (database versions not stated): TOPMed 0.00012; ESP Exome Variant Server 0.00015; gnomAD 0.00022; 1000 Genomes Project 30x 0.00047; 1000 Genomes Project 0.00060.
gnomAD v4.1: 285 of 1,614,150 alleles (0.018%); highest among the groups gnomAD compares: South Asian, 0.14%; no homozygotes.

Submission:

PreventionGenetics, part of Exact Sciences
Classification: Likely benign for MMP21-related condition. Last evaluated: 2023-08-07. Review status: no assertion criteria provided. Collection method: clinical testing. Allele origin: germline.
Comment: This variant is classified as likely benign based on ACMG/AMP sequence variant interpretation guidelines (Richards et al. 2015 PMID: 25741868, with internal and published modifications).

NM_147191.1(MMP21):c.891G>A (p.Thr297=)

Gene: MMP21 (matrix metallopeptidase 21; minus strand). Cytogenetic location: 10q26.2.
Variant type: single nucleotide variant.
Coding change: c.891G>A on transcript NM_147191.1 (MANE Select); coding-DNA position 891, G replaced by A.
Protein change: p.Thr297=; no amino-acid change (threonine 297 retained).
Molecular consequence: synonymous variant.
Genome position (GRCh38, 1-based): chr10:125,772,306, C>T on the plus strand (G>A on the coding strand, the complement: MMP21 is on the minus strand). VCF-style: chr10-125772306-C-T. GRCh37 (hg19) VCF-style: chr10-127460875-C-T.
Identifiers: ClinVar variation 3054620 (VCV003054620.2), dbSNP rs141490301, ClinGen allele CA5738078.